The following is an entry in ClinVar:

NM_016219.5(MAN1B1):c.1828G>A (p.Val610Ile)

Gene: MAN1B1 (mannosidase alpha class 1B member 1; plus strand). Cytogenetic location: 9q34.3.
Variant type: single nucleotide variant.
Coding change: c.1828G>A on transcript NM_016219.5 (MANE Select); coding-DNA position 1828, G replaced by A.
Protein change: p.Val610Ile; replaces valine 610 with isoleucine.
Molecular consequence: missense variant. On other transcripts: non-coding transcript variant (2).
Genome position (GRCh38, 1-based): chr9:137,107,594, G>A. VCF-style: chr9-137107594-G-A. GRCh37 (hg19) VCF-style: chr9-140002046-G-A.
Other names: short protein forms V610I.
Identifiers: ClinVar variation 211424 (VCV000211424.10), dbSNP rs143449562, ClinGen allele CA206055.

ClinVar aggregate classification (germline): Uncertain significance. Review status: criteria provided, multiple submitters, no conflicts (2 of 4 stars). 3 submissions from 3 submitters: Uncertain significance (3). Last evaluated 2018-01-12.

Conditions:
Rafiq syndrome (RAFQS). Identifiers: Orphanet 88616, MedGen C3280127, MONDO:0013624, OMIM 614202.

Allele frequency attached by ClinVar (database versions not stated): gnomAD exomes 0.00005 and 0.00004; gnomAD 0.00007 and 0.00006; ESP Exome Variant Server 0.00008; ExAC 0.00006; TOPMed 0.00010.

Submissions (3):

Illumina Laboratory Services, Illumina
Classification: Uncertain significance for Rafiq syndrome. Last evaluated: 2018-01-12. Review status: criteria provided, single submitter. Criteria: ICSL Variant Classification Criteria 13 December 2019. Collection method: clinical testing. Allele origin: germline.

GeneDx
Classification: Uncertain significance. Last evaluated: 2017-02-26. Review status: criteria provided, single submitter. Criteria: GeneDx Variant Classification (06012015). Collection method: clinical testing. Allele origin: germline. Affected: yes.
Comment: The V610I variant in the MAN1B1 gene has not been reported previously as a pathogenic variant, nor as a benign variant, to our knowledge. The V610I variant is not observed at a significant frequency in large population cohorts (Lek et al., 2016; 1000 Genomes Consortium et al., 2015; Exome Variant Server). The V610I variant is a conservative amino acid substitution, which is not likely to impact secondary protein structure as these residues share similar properties. This substitution occurs at a position that is not conserved. In silico analysis predicts this variant likely does not alter the protein structure/function. We interpret V610I as a variant of uncertain significance.

Genetic Services Laboratory, University of Chicago
Classification: Uncertain significance. Last evaluated: 2014-10-14. Review status: criteria provided, single submitter. Criteria: ACMG Guidelines, 2015. Collection method: clinical testing. Allele origin: germline.